The following is an entry in ClinVar:

NM_201384.3(PLEC):c.1041G>A (p.Glu347=)

Gene: PLEC (plectin; minus strand). Cytogenetic location: 8q24.3.
Variant type: single nucleotide variant.
Coding change: c.1041G>A on transcript NM_201384.3 (MANE Select); coding-DNA position 1041, G replaced by A.
Protein change: p.Glu347=; no amino-acid change (glutamic acid 347 retained).
Molecular consequence: synonymous variant.
Genome position (GRCh38, 1-based): chr8:143,934,635, C>T on the plus strand (G>A on the coding strand, the complement: PLEC is on the minus strand). VCF-style: chr8-143934635-C-T. GRCh37 (hg19) VCF-style: chr8-145008803-C-T.
Other names: c.1122G>A, p.Glu374= (NM_000445.5, NM_001410941.1); c.999G>A, p.Glu333= (NM_201378.4); c.975G>A, p.Glu325= (NM_201379.3); c.1452G>A, p.Glu484= (NM_201380.4); c.945G>A, p.Glu315= (NM_201381.3); c.1041G>A, p.Glu347= (NM_201382.4); c.1053G>A, p.Glu351= (NM_201383.3).
Identifiers: ClinVar variation 1937330 (VCV001937330.5), dbSNP rs1298359689, ClinGen allele CA463536627.

ClinVar aggregate classification (germline): Uncertain significance (1 of 4 stars; one submission).

Conditions:
Epidermolysis bullosa simplex with nail dystrophy (EBS5D). Identifiers: MedGen C4225309, MONDO:0014661, OMIM 616487.
Epidermolysis bullosa simplex 5B, with muscular dystrophy (EBS5B). Also called: Epidermolysis bullosa simplex with muscular dystrophy; EPIDERMOLYSIS BULLOSA SIMPLEX AND LIMB-GIRDLE MUSCULAR DYSTROPHY. Identifiers: Orphanet 257, MedGen C2931072, MONDO:0009181, OMIM 226670.
Epidermolysis bullosa simplex, Ogna type (EBS5A). Also called: EPIDERMOLYSIS BULLOSA SIMPLEX 5A, OGNA TYPE; Pidermolysis bullosa simplex 5A, Ogna type. Identifiers: Orphanet 79401, MedGen C0432317, MONDO:0007555, OMIM 131950.
Epidermolysis bullosa simplex 5C, with pyloric atresia (EBS5C). Also called: PLEC-Related Epidermolysis Bullosa with Pyloric Atresia; Epidermolysis bullosa simplex with pyloric atresia; PLEC1-Related Epidermolysis Bullosa with Pyloric Atresia. Identifiers: Orphanet 158684, MedGen C2677349, MONDO:0012807, OMIM 612138.
Autosomal recessive limb-girdle muscular dystrophy type 2Q (LGMDR17). Also called: MUSCULAR DYSTROPHY, LIMB-GIRDLE, AUTOSOMAL RECESSIVE 17. Identifiers: Orphanet 254361, MedGen C3150989, MONDO:0013390, OMIM 613723.

Allele frequency attached by ClinVar (database versions not stated): TOPMed 0.00001.
gnomAD v4.1: 6 of 1,613,014 alleles (0.00037%); highest among the groups gnomAD compares: Non-Finnish European, 0.00051%; no homozygotes.

Submission:

Labcorp Genetics (formerly Invitae), Labcorp
Classification: Uncertain significance for Autosomal recessive limb-girdle muscular dystrophy type 2Q; Epidermolysis bullosa simplex, Ogna type; Epidermolysis bullosa simplex with nail dystrophy; Epidermolysis bullosa simplex 5C, with pyloric atresia; Epidermolysis bullosa simplex 5B, with muscular dystrophy. Last evaluated: 2025-12-31. Review status: criteria provided, single submitter. Criteria: Invitae Variant Classification Sherloc (09022015). Collection method: clinical testing. Allele origin: germline.
Comment: This sequence change affects codon 374 of the PLEC mRNA. It is a 'silent' change, meaning that it does not change the encoded amino acid sequence of the PLEC protein. This variant also falls at the last nucleotide of exon 11, which is part of the consensus splice site for this exon. This variant is not present in population databases (gnomAD no frequency). This variant has not been reported in the literature in individuals affected with PLEC-related conditions. ClinVar contains an entry for this variant (Variation ID: 1937330). Variants that disrupt the consensus splice site are a relatively common cause of aberrant splicing (PMID: 17576681, 9536098). Algorithms developed to predict the effect of sequence changes on RNA splicing suggest that this variant is not likely to affect RNA splicing. In summary, the available evidence is currently insufficient to determine the role of this variant in disease. Therefore, it has been classified as a Variant of Uncertain Significance.

Literature cited by the submitters: PubMed 17576681; PubMed 9536098.